The following is an entry in ClinVar:

ClinVar aggregate classification (germline): Benign/Likely benign. Review status: criteria provided, multiple submitters, no conflicts (2 of 4 stars). 10 submissions from 8 submitters: Benign (6); Likely benign (2). 2 of the submissions do not count toward it. Last evaluated 2026-02-04.

Conditions:
Thrombophilia due to thrombin defect (THPH1). Also called: Thrombosis susceptibility; THROMBOPHILIA DUE TO FACTOR 2 DEFECT; Prothrombin-Related Thrombophilia (Factor II); Prothrombin Thrombophilia. Identifiers: MedGen C3160733, MONDO:0008559, OMIM 188050. Disease mechanism: gain of function, loss of function.
Congenital factor V deficiency. Also called: LABILE FACTOR DEFICIENCY; OWREN PARAHEMOPHILIA; PARAHEMOPHILIA; Hereditary factor V deficiency disease. Identifiers: Orphanet 326, MedGen C0015499, MONDO:0009210, OMIM 227400.
Budd-Chiari syndrome (BDCHS). Also called: Hepatic vein obstruction. Identifiers: Orphanet 131, MedGen C0856761, MONDO:0010947, OMIM 600880, HP:0002639.
Factor V deficiency. Also called: Reduced coagulation factor V activity. Identifiers: Orphanet 326, MedGen C4317320, MONDO:0020586, HP:0003225.

Allele frequency attached by ClinVar (database versions not stated): ESP Exome Variant Server 0.91635; gnomAD 0.92435 and 0.92617; TOPMed 0.92438; ExAC 0.93257; 1000 Genomes Project 0.93630; 1000 Genomes Project 30x 0.93645; gnomAD exomes 0.93690 and 0.93723.

Submissions (10):

Labcorp Genetics (formerly Invitae), Labcorp
Classification: Benign for Congenital factor V deficiency. Last evaluated: 2026-02-04. Review status: criteria provided, single submitter. Criteria: Invitae Variant Classification Sherloc (09022015). Collection method: clinical testing. Allele origin: germline.

Blueprint Genetics
Classification: Likely benign. Last evaluated: 2024-11-26. Review status: criteria provided, single submitter. Criteria: ACMG Guidelines, 2015. Collection method: clinical testing. Allele origin: germline.

Illumina Laboratory Services, Illumina
Classification: Benign for Venous thrombosis. Last evaluated: 2018-01-13. Review status: criteria provided, single submitter. Criteria: ICSL Variant Classification Criteria 13 December 2019. Collection method: clinical testing. Allele origin: germline.
Comment: This variant was observed in the ICSL laboratory as part of a predisposition screen in an ostensibly healthy population. It had not been previously curated by ICSL or reported in the Human Gene Mutation Database (HGMD: prior to June 1st, 2018), and was therefore a candidate for classification through an automated scoring system. Utilizing variant allele frequency, disease prevalence and penetrance estimates, and inheritance mode, an automated score was calculated to assess if this variant is too frequent to cause the disease. Based on the score and internal cut-off values, a variant classified as benign is not then subjected to further curation. The score for this variant resulted in a classification of benign for this disease.

Illumina Laboratory Services, Illumina
Classification: Benign for Congenital factor V deficiency. Last evaluated: 2018-01-13. Review status: criteria provided, single submitter. Criteria: ICSL Variant Classification Criteria 13 December 2019. Collection method: clinical testing. Allele origin: germline.
Comment: the same text as in the submission from Illumina Laboratory Services, Illumina above.

Illumina Laboratory Services, Illumina
Classification: Benign for Budd-Chiari syndrome. Last evaluated: 2018-01-13. Review status: criteria provided, single submitter. Criteria: ICSL Variant Classification Criteria 13 December 2019. Collection method: clinical testing. Allele origin: germline.
Comment: the same text as in the submission from Illumina Laboratory Services, Illumina above.

Mayo Clinic Laboratories, Mayo Clinic
Classification: Benign. Last evaluated: 2016-05-25. Review status: criteria provided, single submitter. Criteria: ACMG Guidelines, 2015. Collection method: clinical testing. Allele origin: germline. Observed: 216 variant alleles.

Breakthrough Genomics
Classification: Likely benign. Review status: criteria provided, single submitter. Criteria: ACMG Guidelines, 2015. Collection method: not provided. Allele origin: germline. Inheritance: Autosomal recessive inheritance. Affected: yes.

PreventionGenetics, part of Exact Sciences
Classification: Benign. Review status: criteria provided, single submitter. Criteria: ACMG Guidelines, 2015. Collection method: clinical testing. Allele origin: germline.

Diagnostic Laboratory, Department of Genetics, University Medical Center Groningen
Classification: Benign. Review status: no assertion criteria provided. Collection method: clinical testing. Allele origin: germline. Affected: yes. Study: VKGL Data-share Consensus. Not counted in ClinVar's aggregate classification.

Joint Genome Diagnostic Labs from Nijmegen and Maastricht, Radboudumc and MUMC+
Classification: Benign. Review status: no assertion criteria provided. Collection method: clinical testing. Allele origin: germline. Affected: yes. Study: VKGL Data-share Consensus. Not counted in ClinVar's aggregate classification.

NM_000130.5(F5):c.5419+12A>G

Gene: F5 (coagulation factor V; minus strand). Cytogenetic location: 1q24.2.
Variant type: single nucleotide variant.
Coding change: c.5419+12A>G on transcript NM_000130.5 (MANE Select); 12 bases into the intron after coding-DNA position 5419, A replaced by G.
Molecular consequence: intron variant.
Genome position (GRCh38, 1-based): chr1:169,529,596, T>C on the plus strand (A>G on the coding strand, the complement: F5 is on the minus strand). VCF-style: chr1-169529596-T-C. GRCh37 (hg19) VCF-style: chr1-169498834-T-C.
Other names: p.?.
Identifiers: ClinVar variation 255211 (VCV000255211.18), dbSNP rs6009, ClinGen allele CA1233507.